The following is an entry in ClinVar:

NM_015178.3(RHOBTB2):c.2103G>T (p.Trp701Cys)

Gene: RHOBTB2 (Rho related BTB domain containing 2; plus strand). Cytogenetic location: 8p21.3.
Variant type: single nucleotide variant.
Coding change: c.2103G>T on transcript NM_015178.3 (MANE Select); coding-DNA position 2103, G replaced by T.
Protein change: p.Trp701Cys; replaces tryptophan 701 with cysteine.
Molecular consequence: missense variant.
Genome position (GRCh38, 1-based): chr8:23,017,388, G>T. VCF-style: chr8-23017388-G-T. GRCh37 (hg19) VCF-style: chr8-22874901-G-T.
Other names: c.2169G>T, p.Trp723Cys (NM_001160036.2); c.2124G>T, p.Trp708Cys (NM_001160037.2); c.2103G>T, p.Trp701Cys (NM_001374791.1); short protein forms W701C, W708C, W723C.
Identifiers: ClinVar variation 4741742 (VCV004741742.1).

ClinVar aggregate classification (germline): Uncertain significance (1 of 4 stars; one submission).

Submission:

Labcorp Genetics (formerly Invitae), Labcorp
Classification: Uncertain significance. Last evaluated: 2025-12-01. Review status: criteria provided, single submitter. Criteria: Invitae Variant Classification Sherloc (09022015). Collection method: clinical testing. Allele origin: germline.
Comment: This sequence change replaces tryptophan, which is neutral and slightly polar, with cysteine, which is neutral and slightly polar, at codon 723 of the RHOBTB2 protein (p.Trp723Cys). This variant is not present in population databases (gnomAD no frequency). This variant has not been reported in the literature in individuals affected with RHOBTB2-related conditions. Invitae Evidence Modeling of protein sequence and biophysical properties (such as structural, functional, and spatial information, amino acid conservation, physicochemical variation, residue mobility, and thermodynamic stability) indicates that this missense variant is not expected to disrupt RHOBTB2 protein function with a negative predictive value of 80%. In summary, the available evidence is currently insufficient to determine the role of this variant in disease. Therefore, it has been classified as a Variant of Uncertain Significance.